The following is an entry in ClinVar:

ClinVar aggregate classification (germline): Likely pathogenic (1 of 4 stars; one submission).

gnomAD v4.1: 1 of 1,613,692 alleles (0.000062%); highest among the groups gnomAD compares: Non-Finnish European, 0.000085%; no homozygotes.

Submission:

Labcorp Genetics (formerly Invitae), Labcorp
Classification: Likely pathogenic. Last evaluated: 2026-01-26. Review status: criteria provided, single submitter. Criteria: Invitae Variant Classification Sherloc (09022015). Collection method: clinical testing. Allele origin: germline.
Comment: This sequence change affects a donor splice site in intron 19 of the CDAN1 gene. It is expected to disrupt RNA splicing. Variants that disrupt the donor or acceptor splice site typically lead to a loss of protein function (PMID: 16199547), and loss-of-function variants in CDAN1 are known to be pathogenic (PMID: 16098079, 16141353). This variant is not present in population databases (gnomAD no frequency). This variant has not been reported in the literature in individuals affected with CDAN1-related conditions. Algorithms developed to predict the effect of sequence changes on RNA splicing suggest that this variant may disrupt the consensus splice site. In summary, the currently available evidence indicates that the variant is pathogenic, but additional data are needed to prove that conclusively. Therefore, this variant has been classified as Likely Pathogenic.

Literature cited by the submitters: PubMed 16199547; PubMed 16098079; PubMed 16141353.

NM_138477.4(CDAN1):c.2645+2T>C

Gene: CDAN1 (codanin 1; minus strand). Cytogenetic location: 15q15.2.
Variant type: single nucleotide variant.
Coding change: c.2645+2T>C on transcript NM_138477.4 (MANE Select); the canonical splice donor site of the intron after coding-DNA position 2645, T replaced by C.
Molecular consequence: splice donor variant.
Genome position (GRCh38, 1-based): chr15:42,729,021, A>G on the plus strand (T>C on the coding strand, the complement: CDAN1 is on the minus strand). VCF-style: chr15-42729021-A-G. GRCh37 (hg19) VCF-style: chr15-43021219-A-G.
Identifiers: ClinVar variation 4770166 (VCV004770166.1).